The following is an entry in ClinVar:

NM_030665.4(RAI1):c.3694G>A (p.Val1232Ile)

Gene: RAI1 (retinoic acid induced 1; plus strand). Cytogenetic location: 17p11.2.
Variant type: single nucleotide variant.
Coding change: c.3694G>A on transcript NM_030665.4 (MANE Select); coding-DNA position 3694, G replaced by A.
Protein change: p.Val1232Ile; replaces valine 1232 with isoleucine.
Molecular consequence: missense variant.
Genome position (GRCh38, 1-based): chr17:17,796,642, G>A. VCF-style: chr17-17796642-G-A. GRCh37 (hg19) VCF-style: chr17-17699956-G-A.
Other names: short protein forms V1232I.
Identifiers: ClinVar variation 2759463 (VCV002759463.3), dbSNP rs558799937, ClinGen allele CA8418790.

ClinVar aggregate classification (germline): Uncertain significance (1 of 4 stars; one submission).

Allele frequency attached by ClinVar (database versions not stated): TOPMed below 0.00001; ExAC 0.00001; gnomAD 0.00001; 1000 Genomes Project 30x 0.00016; 1000 Genomes Project 0.00020.
gnomAD v4.1: 2 of 1,612,200 alleles (0.00012%); highest among the groups gnomAD compares: African/African-American, 0.0027%; no homozygotes.

Submission:

Labcorp Genetics (formerly Invitae), Labcorp
Classification: Uncertain significance. Last evaluated: 2023-09-10. Review status: criteria provided, single submitter. Criteria: Invitae Variant Classification Sherloc (09022015). Collection method: clinical testing. Allele origin: germline.
Comment: In summary, the available evidence is currently insufficient to determine the role of this variant in disease. Therefore, it has been classified as a Variant of Uncertain Significance. Advanced modeling of protein sequence and biophysical properties (such as structural, functional, and spatial information, amino acid conservation, physicochemical variation, residue mobility, and thermodynamic stability) performed at Invitae indicates that this missense variant is not expected to disrupt RAI1 protein function. This variant has not been reported in the literature in individuals affected with RAI1-related conditions. This variant is present in population databases (rs558799937, gnomAD 0.007%). This sequence change replaces valine, which is neutral and non-polar, with isoleucine, which is neutral and non-polar, at codon 1232 of the RAI1 protein (p.Val1232Ile).